The following is an entry in ClinVar:

ClinVar aggregate classification (germline): Pathogenic (1 of 4 stars; one submission).

Submission:

Labcorp Genetics (formerly Invitae), Labcorp
Classification: Pathogenic. Last evaluated: 2023-11-27. Review status: criteria provided, single submitter. Criteria: Invitae Variant Classification Sherloc (09022015). Collection method: clinical testing. Allele origin: germline.
Comment: This variant results in a copy number gain of the genomic region encompassing exon(s) 4 of the SERPING1 gene. While the exact position of this variant cannot be determined from the data, sub-genic copy number gains are generally in tandem (PMID: 25640679). This variant is predicted to be in-frame, and likely preserves the integrity of the reading frame. A similar copy number variant has been observed in individuals with hereditary angioedema (PMID: 15971231, 29753808, 31517426; Invitae). Experimental studies and prediction algorithms are not available or were not evaluated, and the functional significance of this variant is currently unknown. For these reasons, this variant has been classified as Pathogenic.

Literature cited by the submitters: PubMed 25640679; PubMed 15971231; PubMed 29753808; PubMed 31517426.

NC_000011.9:g.(?_57369488)_(57369662_?)dup

Gene: SERPING1 (serpin family G member 1; plus strand). Cytogenetic location: 11q12.1.
Variant type: Duplication.
Identifiers: ClinVar variation 1346163 (VCV001346163.5).